The following is an entry in ClinVar:

ClinVar aggregate classification (germline): Uncertain significance. Review status: criteria provided, multiple submitters, no conflicts (2 of 4 stars). 2 submissions from 2 submitters: Uncertain significance (2). Last evaluated 2023-12-22.

Conditions:
Nephronophthisis. Also called: Juvenile Nephronophthisis. Identifiers: Orphanet 655, MedGen C0687120, MONDO:0019005, HP:0000090.

Allele frequency attached by ClinVar (database versions not stated): TOPMed below 0.00001.

Submissions (2):

Labcorp Genetics (formerly Invitae), Labcorp
Classification: Uncertain significance for Nephronophthisis. Last evaluated: 2023-12-22. Review status: criteria provided, single submitter. Criteria: Invitae Variant Classification Sherloc (09022015). Collection method: clinical testing. Allele origin: germline.
Comment: This sequence change replaces arginine, which is basic and polar, with lysine, which is basic and polar, at codon 88 of the NPHP4 protein (p.Arg88Lys). This variant is not present in population databases (gnomAD no frequency). This variant has not been reported in the literature in individuals affected with NPHP4-related conditions. ClinVar contains an entry for this variant (Variation ID: 289039). Advanced modeling of protein sequence and biophysical properties (such as structural, functional, and spatial information, amino acid conservation, physicochemical variation, residue mobility, and thermodynamic stability) performed at Invitae indicates that this missense variant is not expected to disrupt NPHP4 protein function with a negative predictive value of 80%. In summary, the available evidence is currently insufficient to determine the role of this variant in disease. Therefore, it has been classified as a Variant of Uncertain Significance.

Eurofins Ntd Llc (ga)
Classification: Uncertain significance. Last evaluated: 2016-06-21. Review status: criteria provided, single submitter. Criteria: EGL Classification Definitions 2015. Collection method: clinical testing. Allele origin: germline. Observed: 1 variant allele, 1 heterozygote.

NM_015102.5(NPHP4):c.263G>A (p.Arg88Lys)

Gene: NPHP4 (nephrocystin 4; minus strand). Cytogenetic location: 1p36.31.
Variant type: single nucleotide variant.
Coding change: c.263G>A on transcript NM_015102.5 (MANE Select); coding-DNA position 263, G replaced by A.
Protein change: p.Arg88Lys; replaces arginine 88 with lysine.
Molecular consequence: missense variant. On other transcripts: 5 prime UTR variant (1), non-coding transcript variant (1), intron variant (1).
Genome position (GRCh38, 1-based): chr1:5,978,286, C>T on the plus strand (G>A on the coding strand, the complement: NPHP4 is on the minus strand). VCF-style: chr1-5978286-C-T. GRCh37 (hg19) VCF-style: chr1-6038346-C-T.
Other names: c.-967G>A (NM_001291593.2); c.-1087-9027G>A (NM_001291594.2); short protein forms R88K.
Identifiers: ClinVar variation 289039 (VCV000289039.9), dbSNP rs886044065, ClinGen allele CA10606304.